The following is an entry in ClinVar:

NM_002335.4(LRP5):c.4251G>A (p.Gly1417=)

Gene: LRP5 (LDL receptor related protein 5; plus strand). Cytogenetic location: 11q13.2.
Variant type: single nucleotide variant.
Coding change: c.4251G>A on transcript NM_002335.4 (MANE Select); coding-DNA position 4251, G replaced by A.
Protein change: p.Gly1417=; no amino-acid change (glycine 1417 retained).
Molecular consequence: synonymous variant.
Genome position (GRCh38, 1-based): chr11:68,438,585, G>A. VCF-style: chr11-68438585-G-A. GRCh37 (hg19) VCF-style: chr11-68206053-G-A.
Other names: c.2508G>A, p.Gly836= (NM_001291902.2).
Identifiers: ClinVar variation 723319 (VCV000723319.13), dbSNP rs553437373, ClinGen allele CA6150293.

ClinVar aggregate classification (germline): Likely benign. Review status: criteria provided, multiple submitters, no conflicts (2 of 4 stars). 3 submissions from 3 submitters: Likely benign (3). Last evaluated 2026-04-10.

Conditions:
LRP5-related disorder. Also called: LRP5-related condition.

Allele frequency attached by ClinVar (database versions not stated): gnomAD 0.00001; TOPMed 0.00001; gnomAD exomes 0.00008 and 0.00020; ExAC 0.00017; 1000 Genomes Project 30x 0.00031; 1000 Genomes Project 0.00040.

Submissions (3):

PreventionGenetics, part of Exact Sciences
Classification: Likely benign for LRP5-related condition. Last evaluated: 2026-04-10. Review status: criteria provided, single submitter. Criteria: ACMG Guidelines, 2015. Collection method: clinical testing. Allele origin: germline.
Comment: This variant is classified as likely benign based on ACMG/AMP sequence variant interpretation guidelines (Richards et al. 2015 PMID: 25741868, with internal and published modifications).

Labcorp Genetics (formerly Invitae), Labcorp
Classification: Likely benign. Last evaluated: 2025-08-29. Review status: criteria provided, single submitter. Criteria: Invitae Variant Classification Sherloc (09022015). Collection method: clinical testing. Allele origin: germline.

Blueprint Genetics
Classification: Likely benign. Last evaluated: 2023-11-03. Review status: criteria provided, single submitter. Criteria: ACMG Guidelines, 2015. Collection method: clinical testing. Allele origin: germline.